The following is an entry in ClinVar:

ClinVar aggregate classification (germline): Uncertain significance (1 of 4 stars; one submission).

Allele frequency attached by ClinVar (database versions not stated): gnomAD 0.00001; 1000 Genomes Project 30x 0.00016; 1000 Genomes Project 0.00020.
gnomAD v4.1: 4 of 1,266,526 alleles (0.00032%); highest among the groups gnomAD compares: Non-Finnish European, 0.0004%; no homozygotes.

Submission:

Labcorp Genetics (formerly Invitae), Labcorp
Classification: Uncertain significance. Last evaluated: 2023-06-02. Review status: criteria provided, single submitter. Criteria: Invitae Variant Classification Sherloc (09022015). Collection method: clinical testing. Allele origin: germline.
Comment: This sequence change replaces alanine, which is neutral and non-polar, with serine, which is neutral and polar, at codon 22 of the KCNQ5 protein (p.Ala22Ser). This variant is not present in population databases (gnomAD no frequency). This variant has not been reported in the literature in individuals affected with KCNQ5-related conditions. Advanced modeling of protein sequence and biophysical properties (such as structural, functional, and spatial information, amino acid conservation, physicochemical variation, residue mobility, and thermodynamic stability) performed at Invitae indicates that this missense variant is not expected to disrupt KCNQ5 protein function. In summary, the available evidence is currently insufficient to determine the role of this variant in disease. Therefore, it has been classified as a Variant of Uncertain Significance.

NM_019842.4(KCNQ5):c.64G>T (p.Ala22Ser)

Genes: KCNQ5 (potassium voltage-gated channel subfamily Q member 5; plus strand), KCNQ5-DT (KCNQ5 divergent transcript; minus strand), LOC129996711 (ATAC-STARR-seq lymphoblastoid silent region 17329; plus strand). Cytogenetic location: 6q13.
Variant type: single nucleotide variant.
Coding change: c.64G>T on transcript NM_019842.4 (MANE Select); coding-DNA position 64, G replaced by T.
Protein change: p.Ala22Ser; replaces alanine 22 with serine.
Molecular consequence: missense variant.
Genome position (GRCh38, 1-based): chr6:72,622,253, G>T. VCF-style: chr6-72622253-G-T. GRCh37 (hg19) VCF-style: chr6-73331981-G-T.
Other names: c.64G>T, p.Ala22Ser (NM_001160130.2, NM_001160132.2, NM_001160133.2 and 1 more transcripts); short protein forms A22S.
Identifiers: ClinVar variation 2785706 (VCV002785706.3), dbSNP rs553979044, ClinGen allele CA3886669.